The following is an entry in ClinVar:

NM_004519.4(KCNQ3):c.2027G>C (p.Arg676Thr)

Gene: KCNQ3 (potassium voltage-gated channel subfamily Q member 3; minus strand). Cytogenetic location: 8q24.22.
Variant type: single nucleotide variant.
Coding change: c.2027G>C on transcript NM_004519.4 (MANE Select); coding-DNA position 2027, G replaced by C.
Protein change: p.Arg676Thr; replaces arginine 676 with threonine.
Molecular consequence: missense variant.
Genome position (GRCh38, 1-based): chr8:132,129,854, C>G on the plus strand (G>C on the coding strand, the complement: KCNQ3 is on the minus strand). VCF-style: chr8-132129854-C-G. GRCh37 (hg19) VCF-style: chr8-133142101-C-G.
Other names: c.1667G>C, p.Arg556Thr (NM_001204824.2); short protein forms R556T, R676T.
Identifiers: ClinVar variation 2171386 (VCV002171386.4), dbSNP rs2536858857, ClinGen allele CA372217101.

ClinVar aggregate classification (germline): Uncertain significance (1 of 4 stars; one submission).

Conditions:
Benign neonatal seizures. Also called: Benign familial neonatal epilepsy; Benign familial neonatal seizures; Convulsions benign familial neonatal dominant form; Autosomal dominant form of benign neonatal seizures; Benign neonatal familial convulsions. Identifiers: Orphanet 1949, MedGen C0220669, MONDO:0016027.

Allele frequency attached by ClinVar (database versions not stated): gnomAD exomes below 0.00001.

Submission:

Labcorp Genetics (formerly Invitae), Labcorp
Classification: Uncertain significance for Benign neonatal seizures. Last evaluated: 2022-09-30. Review status: criteria provided, single submitter. Criteria: Invitae Variant Classification Sherloc (09022015). Collection method: clinical testing. Allele origin: germline.
Comment: In summary, the available evidence is currently insufficient to determine the role of this variant in disease. Therefore, it has been classified as a Variant of Uncertain Significance. Advanced modeling of protein sequence and biophysical properties (such as structural, functional, and spatial information, amino acid conservation, physicochemical variation, residue mobility, and thermodynamic stability) performed at Invitae indicates that this missense variant is not expected to disrupt KCNQ3 protein function. This variant has not been reported in the literature in individuals affected with KCNQ3-related conditions. This variant is not present in population databases (gnomAD no frequency). This sequence change replaces arginine, which is basic and polar, with threonine, which is neutral and polar, at codon 676 of the KCNQ3 protein (p.Arg676Thr).